The following is an entry in ClinVar:

ClinVar aggregate classification (germline): Benign. Review status: criteria provided, multiple submitters, no conflicts (2 of 4 stars). 3 submissions from 3 submitters: Benign (2). 1 of the submissions does not count toward it. Last evaluated 2026-02-03.

Conditions:
DSCAML1-related disorder. Also called: DSCAML1-related condition.

Allele frequency attached by ClinVar (database versions not stated): 1000 Genomes Project 30x 0.14335; gnomAD exomes 0.15725 and 0.14437; TOPMed 0.18607; gnomAD 0.18880 and 0.18105; ExAC 0.15041; ESP Exome Variant Server 0.19363; 1000 Genomes Project 0.14097.
gnomAD v4.1: 256,537 of 1,611,918 alleles (16%); highest among the groups gnomAD compares: African/African-American, 25%; 22,008 homozygotes.

Submissions (3):

Labcorp Genetics (formerly Invitae), Labcorp
Classification: Benign. Last evaluated: 2026-02-03. Review status: criteria provided, single submitter. Criteria: Invitae Variant Classification Sherloc (09022015). Collection method: clinical testing. Allele origin: germline.

Breakthrough Genomics
Classification: Benign. Review status: criteria provided, single submitter. Criteria: ACMG Guidelines, 2015. Collection method: not provided. Allele origin: germline. Inheritance: Unknown mechanism. Affected: yes.

PreventionGenetics, part of Exact Sciences
Classification: Benign for DSCAML1-related condition. Last evaluated: 2019-10-30. Review status: no assertion criteria provided. Collection method: clinical testing. Allele origin: germline. Not counted in ClinVar's aggregate classification.
Comment: This variant is classified as benign based on ACMG/AMP sequence variant interpretation guidelines (Richards et al. 2015 PMID: 25741868, with internal and published modifications).

NM_020693.4(DSCAML1):c.5022A>G (p.Gln1674=)

Gene: DSCAML1 (DS cell adhesion molecule like 1; minus strand). Cytogenetic location: 11q23.3.
Variant type: single nucleotide variant.
Coding change: c.5022A>G on transcript NM_020693.4 (MANE Select); coding-DNA position 5022, A replaced by G.
Protein change: p.Gln1674=; no amino-acid change (glutamine 1674 retained).
Molecular consequence: synonymous variant.
Genome position (GRCh38, 1-based): chr11:117,433,142, T>C on the plus strand (A>G on the coding strand, the complement: DSCAML1 is on the minus strand). VCF-style: chr11-117433142-T-C. GRCh37 (hg19) VCF-style: chr11-117303858-T-C.
Other names: c.5202A>G (NM_020693.3).
Identifiers: ClinVar variation 1600658 (VCV001600658.11), dbSNP rs11216382, ClinGen allele CA6296195.
Genomic context (GRCh38, chr11:117,433,142, plus strand): 5'-GTAGCCTGGGGAAGCACACCCAGCAGGACAGGGAACTTGTGGCACCTGTCACTCACCCAG[T>C]TGCTTGATGCCTTCTTTGTCCTCGATGAGCAGCTGGACCCTGGGGATGTCAATGTGTAGC-3'
Protein context (NP_065744.3, residues 1664-1684): LLIEDKEGIK[Gln1674=]LGDDKATIPV